The following is an entry in ClinVar:

ClinVar aggregate classification (germline): Uncertain significance (1 of 4 stars; one submission).

Submission:

CeGaT Center for Human Genetics Tuebingen
Classification: Uncertain significance. Last evaluated: 2025-09-01. Review status: criteria provided, single submitter. Criteria: CeGaT Center For Human Genetics Tuebingen Variant Classification Criteria Version 2. Collection method: clinical testing. Allele origin: germline. Affected: yes. Observed: 1 variant allele.
Comment: CHD7: PM2, BP4

NM_017780.4(CHD7):c.1666-3C>T

Genes: CHD7 (chromodomain helicase DNA binding protein 7; plus strand), LOC126860403 (CDK7 strongly-dependent group 2 enhancer GRCh37_chr8:61693034-61694233; plus strand). Cytogenetic location: 8q12.2.
Variant type: single nucleotide variant.
Coding change: c.1666-3C>T on transcript NM_017780.4 (MANE Select); 3 bases into the intron before coding-DNA position 1666, C replaced by T.
Molecular consequence: intron variant.
Genome position (GRCh38, 1-based): chr8:60,780,997, C>T. VCF-style: chr8-60780997-C-T. GRCh37 (hg19) VCF-style: chr8-61693556-C-T.
Other names: c.1666-3C>T (NM_001316690.1).
Identifiers: ClinVar variation 4281460 (VCV004281460.7).